The following is an entry in ClinVar:

NM_000548.5(TSC2):c.1933G>T (p.Val645Phe)

Gene: TSC2 (TSC complex subunit 2; plus strand). Cytogenetic location: 16p13.3.
Variant type: single nucleotide variant.
Coding change: c.1933G>T on transcript NM_000548.5 (MANE Select); coding-DNA position 1933, G replaced by T.
Protein change: p.Val645Phe; replaces valine 645 with phenylalanine.
Molecular consequence: missense variant.
Genome position (GRCh38, 1-based): chr16:2,071,603, G>T. VCF-style: chr16-2071603-G-T. GRCh37 (hg19) VCF-style: chr16-2121604-G-T.
Other names: c.1933G>T, p.Val645Phe (NM_001077183.3, NM_001114382.3, NM_001363528.2 and 3 more transcripts); c.1822G>T, p.Val608Phe (NM_001318827.2); c.1786G>T, p.Val596Phe (NM_001318829.2); c.1333G>T, p.Val445Phe (NM_001318831.2); c.1966G>T, p.Val656Phe (NM_001318832.2); short protein forms V608F, V645F, V656F, V445F, V596F.
Identifiers: ClinVar variation 838446 (VCV000838446.12), dbSNP rs746677177, ClinGen allele CA034596.

ClinVar aggregate classification (germline): Conflicting classifications of pathogenicity. Review status: criteria provided, conflicting classifications (1 of 4 stars). 5 submissions from 5 submitters: Uncertain significance (4); Benign (1). Last evaluated 2025-12-09.

Conditions:
Tuberous sclerosis 2 (TSC2). Identifiers: Orphanet 805, MedGen C1860707, MONDO:0013199, OMIM 613254.
Isolated focal cortical dysplasia type II (FCORD2). Also called: CORTICAL DYSPLASIA OF TAYLOR; Focal cortical dysplasia type II. Identifiers: Orphanet 268994, MedGen C1846385, MONDO:0011818, OMIM 607341, HP:0032051.
Hereditary cancer-predisposing syndrome. Also called: Neoplastic Syndromes, Hereditary; Hereditary neoplastic syndrome; Tumor predisposition; Hereditary Cancer Syndrome. Identifiers: Orphanet 140162, MedGen C0027672, MeSH D009386, MONDO:0015356.

gnomAD v4.1: 1 of 1,613,406 alleles (0.000062%); highest among the groups gnomAD compares: African/African-American, 0.0013%; no homozygotes.

Submissions (5):

Labcorp Genetics (formerly Invitae), Labcorp
Classification: Benign for Tuberous sclerosis 2. Last evaluated: 2025-12-09. Review status: criteria provided, single submitter. Criteria: Invitae Variant Classification Sherloc (09022015). Collection method: clinical testing. Allele origin: germline.

Ambry Genetics
Classification: Uncertain significance for Hereditary cancer-predisposing syndrome. Last evaluated: 2025-05-06. Review status: criteria provided, single submitter. Criteria: Ambry Variant Classification Scheme 2023. Collection method: clinical testing. Allele origin: germline.
Comment: The p.V645F variant (also known as c.1933G>T), located in coding exon 17 of the TSC2 gene, results from a G to T substitution at nucleotide position 1933. The valine at codon 645 is replaced by phenylalanine, an amino acid with highly similar properties. This amino acid position is poorly conserved in available vertebrate species. In addition, the in silico prediction for this alteration is inconclusive. Based on the available evidence, the clinical significance of this variant remains unclear.

Baylor Genetics
Classification: Uncertain significance for Isolated focal cortical dysplasia type II. Last evaluated: 2023-06-09. Review status: criteria provided, single submitter. Criteria: ACMG Guidelines, 2015. Collection method: clinical testing. Allele origin: unknown.

GeneDx
Classification: Uncertain significance. Last evaluated: 2023-03-14. Review status: criteria provided, single submitter. Criteria: GeneDx Variant Classification Process June 2021. Collection method: clinical testing. Allele origin: germline. Affected: yes.
Comment: In silico analysis supports that this missense variant does not alter protein structure/function; Has not been previously published as pathogenic or benign to our knowledge

Sema4
Classification: Uncertain significance for Hereditary cancer-predisposing syndrome. Last evaluated: 2021-11-25. Review status: criteria provided, single submitter. Criteria: Sema4 Curation Guidelines. Collection method: curation. Allele origin: germline.
Comment: The TSC2 c.1933G>T (p.V645F) variant has not been reported in the literature to our knowledge. It was observed in 1/16150 chromosomes of the African/African American subpopulation in the large and broad cohorts of the Genome Aggregation Database (PMID: 32461654). The variant has been reported in ClinVar (Variation ID: 838446). Functional studies have not been performed, and in silico predictions of the variant's effect on protein function are inconclusive. The evidence is insufficient to meet ACMG/AMP criteria for classifying the variant as benign or pathogenic. Thus, the clinical significance of this variant is currently uncertain.